The following is an entry in ClinVar:

ClinVar aggregate classification (germline): Uncertain significance (1 of 4 stars; one submission).

Allele frequency attached by ClinVar (database versions not stated): gnomAD exomes below 0.00001; ExAC 0.00001; gnomAD 0.00001; TOPMed 0.00001.
gnomAD v4.1: 4 of 1,613,672 alleles (0.00025%); highest among the groups gnomAD compares: Non-Finnish European, 0.00034%; no homozygotes.

Submission:

Labcorp Genetics (formerly Invitae), Labcorp
Classification: Uncertain significance. Last evaluated: 2023-08-17. Review status: criteria provided, single submitter. Criteria: Invitae Variant Classification Sherloc (09022015). Collection method: clinical testing. Allele origin: germline.
Comment: This variant is present in population databases (rs749911697, gnomAD 0.0009%). In summary, the available evidence is currently insufficient to determine the role of this variant in disease. Therefore, it has been classified as a Variant of Uncertain Significance. Algorithms developed to predict the effect of missense changes on protein structure and function output the following: SIFT: "Not Available"; PolyPhen-2: "Benign"; Align-GVGD: "Not Available". The isoleucine amino acid residue is found in multiple mammalian species, which suggests that this missense change does not adversely affect protein function. ClinVar contains an entry for this variant (Variation ID: 1350621). This variant has not been reported in the literature in individuals affected with DNASE2-related conditions. This sequence change replaces threonine, which is neutral and polar, with isoleucine, which is neutral and non-polar, at codon 216 of the DNASE2 protein (p.Thr216Ile).

NM_001375.3(DNASE2):c.647C>T (p.Thr216Ile)

Gene: DNASE2 (deoxyribonuclease 2, lysosomal; minus strand). Cytogenetic location: 19p13.13.
Variant type: single nucleotide variant.
Coding change: c.647C>T on transcript NM_001375.3 (MANE Select); coding-DNA position 647, C replaced by T.
Protein change: p.Thr216Ile; replaces threonine 216 with isoleucine.
Molecular consequence: missense variant.
Genome position (GRCh38, 1-based): chr19:12,878,444, G>A on the plus strand (C>T on the coding strand, the complement: DNASE2 is on the minus strand). VCF-style: chr19-12878444-G-A. GRCh37 (hg19) VCF-style: chr19-12989258-G-A.
Other names: short protein forms T216I.
Identifiers: ClinVar variation 1350621 (VCV001350621.8), dbSNP rs749911697, ClinGen allele CA9233730.